The following is an entry in ClinVar:

NM_001130144.3(LTBP3):c.970+5G>A

Gene: LTBP3 (latent transforming growth factor beta binding protein 3; minus strand). Cytogenetic location: 11q13.1.
Variant type: single nucleotide variant.
Coding change: c.970+5G>A on transcript NM_001130144.3 (MANE Select); 5 bases into the intron after coding-DNA position 970, G replaced by A.
Molecular consequence: intron variant.
Genome position (GRCh38, 1-based): chr11:65,553,420, C>T on the plus strand (G>A on the coding strand, the complement: LTBP3 is on the minus strand). VCF-style: chr11-65553420-C-T. GRCh37 (hg19) VCF-style: chr11-65320891-C-T.
Other names: c.619+5G>A (NM_001164266.1); c.970+5G>A (NM_021070.4).
Identifiers: ClinVar variation 4738540 (VCV004738540.1).

ClinVar aggregate classification (germline): Uncertain significance (1 of 4 stars; one submission).

Conditions:
Brachyolmia-amelogenesis imperfecta syndrome. Also called: PLATYSPONDYLY WITH AMELOGENESIS IMPERFECTA; Tooth agenesis, selective, 6; Dental anomalies and short stature. Identifiers: Orphanet 2899, MedGen C1832594, MONDO:0011018, OMIM 601216. Disease mechanism: loss of function.

gnomAD v4.1: 3 of 1,610,858 alleles (0.00019%); highest among the groups gnomAD compares: Non-Finnish European, 0.00025%; no homozygotes.

Submission:

Labcorp Genetics (formerly Invitae), Labcorp
Classification: Uncertain significance for Brachyolmia-amelogenesis imperfecta syndrome. Last evaluated: 2025-04-03. Review status: criteria provided, single submitter. Criteria: Invitae Variant Classification Sherloc (09022015). Collection method: clinical testing. Allele origin: germline.
Comment: This sequence change falls in intron 4 of the LTBP3 gene. It does not directly change the encoded amino acid sequence of the LTBP3 protein. It affects a nucleotide within the consensus splice site. This variant is present in population databases (rs766257785, gnomAD 0.0009%). This variant has not been reported in the literature in individuals affected with LTBP3-related conditions. Variants that disrupt the consensus splice site are a relatively common cause of aberrant splicing (PMID: 17576681, 9536098). Algorithms developed to predict the effect of sequence changes on RNA splicing suggest that this variant may disrupt the consensus splice site. In summary, the available evidence is currently insufficient to determine the role of this variant in disease. Therefore, it has been classified as a Variant of Uncertain Significance.

Literature cited by the submitters: PubMed 17576681; PubMed 9536098.